The following is an entry in ClinVar:

ClinVar aggregate classification (germline): Uncertain significance (1 of 4 stars; one submission).

Conditions:
Noonan syndrome 9 (NS9). Identifiers: Orphanet 648, MedGen C4225282, MONDO:0014691, OMIM 616559.

Allele frequency attached by ClinVar (database versions not stated): TOPMed below 0.00001.

Submission:

Labcorp Genetics (formerly Invitae), Labcorp
Classification: Uncertain significance for Noonan syndrome 9. Last evaluated: 2023-06-26. Review status: criteria provided, single submitter. Criteria: Invitae Variant Classification Sherloc (09022015). Collection method: clinical testing. Allele origin: germline.
Comment: In summary, the available evidence is currently insufficient to determine the role of this variant in disease. Therefore, it has been classified as a Variant of Uncertain Significance. This sequence change replaces isoleucine, which is neutral and non-polar, with threonine, which is neutral and polar, at codon 181 of the SOS2 protein (p.Ile181Thr). This variant is not present in population databases (gnomAD no frequency). This variant has not been reported in the literature in individuals affected with SOS2-related conditions. ClinVar contains an entry for this variant (Variation ID: 852884). Advanced modeling of protein sequence and biophysical properties (such as structural, functional, and spatial information, amino acid conservation, physicochemical variation, residue mobility, and thermodynamic stability) performed at Invitae indicates that this missense variant is not expected to disrupt SOS2 protein function.

NM_006939.4(SOS2):c.542T>C (p.Ile181Thr)

Gene: SOS2 (SOS Ras/Rho guanine nucleotide exchange factor 2; minus strand). Cytogenetic location: 14q21.3.
Variant type: single nucleotide variant.
Coding change: c.542T>C on transcript NM_006939.4 (MANE Select); coding-DNA position 542, T replaced by C.
Protein change: p.Ile181Thr; replaces isoleucine 181 with threonine.
Molecular consequence: missense variant.
Genome position (GRCh38, 1-based): chr14:50,188,669, A>G on the plus strand (T>C on the coding strand, the complement: SOS2 is on the minus strand). VCF-style: chr14-50188669-A-G. GRCh37 (hg19) VCF-style: chr14-50655387-A-G.
Other names: short protein forms I181T.
Identifiers: ClinVar variation 852884 (VCV000852884.9), dbSNP rs1886006429, ClinGen allele CA389648299.
Genomic context (GRCh38, chr14:50,188,669, plus strand): 5'-TCATAGTAGTTTAATTCACCAGAAGAACTAGGTTCATCTTCACAGAGAGAAACCAAACCT[A>G]TGTCATCCTGATCAAACATGTCCATCAAAACCTGAGAAACAGAAATCAATAATGTATAAA-3'
Protein context (NP_008870.2, residues 171-191): VLMDMFDQDD[Ile181Thr]GLVSLCEDEP